The following is an entry in ClinVar:

ClinVar aggregate classification (germline): Uncertain significance. Review status: criteria provided, multiple submitters, no conflicts (2 of 4 stars). 2 submissions from 2 submitters: Uncertain significance (2). Last evaluated 2025-09-14.

Conditions:
Hereditary cancer-predisposing syndrome. Also called: Neoplastic Syndromes, Hereditary; Tumor predisposition; Hereditary neoplastic syndrome; Hereditary Cancer Syndrome. Identifiers: Orphanet 140162, MedGen C0027672, MeSH D009386, MONDO:0015356.
Familial adenomatous polyposis 1 (FAP1). Also called: POLYPOSIS, ADENOMATOUS INTESTINAL; FAMILIAL ADENOMATOUS POLYPOSIS 1, ATTENUATED. Identifiers: MedGen C2713442, MONDO:0021056, OMIM 175100. Disease mechanism: loss of function.

Submissions (2):

Labcorp Genetics (formerly Invitae), Labcorp
Classification: Uncertain significance for Familial adenomatous polyposis 1. Last evaluated: 2025-09-14. Review status: criteria provided, single submitter. Criteria: Invitae Variant Classification Sherloc (09022015). Collection method: clinical testing. Allele origin: germline.
Comment: This sequence change replaces phenylalanine, which is neutral and non-polar, with cysteine, which is neutral and slightly polar, at codon 1954 of the APC protein (p.Phe1954Cys). This variant is not present in population databases (gnomAD no frequency). This variant has not been reported in the literature in individuals affected with APC-related conditions. ClinVar contains an entry for this variant (Variation ID: 826017). Invitae Evidence Modeling of protein sequence and biophysical properties (such as structural, functional, and spatial information, amino acid conservation, physicochemical variation, residue mobility, and thermodynamic stability) indicates that this missense variant is not expected to disrupt APC protein function with a negative predictive value of 95%. In summary, the available evidence is currently insufficient to determine the role of this variant in disease. Therefore, it has been classified as a Variant of Uncertain Significance.

Ambry Genetics
Classification: Uncertain significance for Hereditary cancer-predisposing syndrome. Last evaluated: 2025-09-02. Review status: criteria provided, single submitter. Criteria: Ambry Variant Classification Scheme 2023. Collection method: clinical testing. Allele origin: germline.
Comment: The p.F1954C variant (also known as c.5861T>G), located in coding exon 15 of the APC gene, results from a T to G substitution at nucleotide position 5861. The phenylalanine at codon 1954 is replaced by cysteine, an amino acid with highly dissimilar properties. This amino acid position is well conserved in available vertebrate species. In addition, in silico predictors for this gene do not accurately predict pathogenicity. Missense alterations in APC are not a common cause of disease (Spier I et al. Genet Med. 2024 Feb;26(2):100992). Based on the available evidence, the clinical significance of this variant remains unclear.

NM_000038.6(APC):c.5861T>G (p.Phe1954Cys)

Gene: APC (APC regulator of Wnt signaling pathway; plus strand). Cytogenetic location: 5q22.2.
Variant type: single nucleotide variant.
Coding change: c.5861T>G on transcript NM_000038.6 (MANE Select); coding-DNA position 5861, T replaced by G.
Protein change: p.Phe1954Cys; replaces phenylalanine 1954 with cysteine.
Molecular consequence: missense variant.
Genome position (GRCh38, 1-based): chr5:112,841,455, T>G. VCF-style: chr5-112841455-T-G. GRCh37 (hg19) VCF-style: chr5-112177152-T-G.
Other names: c.5861T>G, p.Phe1954Cys (NM_001127510.3, NM_001354895.2); c.5807T>G, p.Phe1936Cys (NM_001127511.3); c.5915T>G, p.Phe1972Cys (NM_001354896.2); c.5891T>G, p.Phe1964Cys (NM_001354897.2); c.5786T>G, p.Phe1929Cys (NM_001354898.2); c.5777T>G, p.Phe1926Cys (NM_001354899.2); c.5738T>G, p.Phe1913Cys (NM_001354900.2); c.5684T>G, p.Phe1895Cys (NM_001354901.2); and 5 more; short protein forms F1929C, F1936C, F1972C, F1671C, F1926C, F1964C, F1828C, F1895C.
Identifiers: ClinVar variation 826017 (VCV000826017.15), dbSNP rs1580664819, ClinGen allele CA16034157.